The following is an entry in ClinVar:

NM_002480.3(PPP1R12A):c.49T>C (p.Trp17Arg)

Genes: PPP1R12A (protein phosphatase 1 regulatory subunit 12A; minus strand), LOC112163633 (Sharpr-MPRA regulatory region 5962; plus strand). Cytogenetic location: 12q21.31.
Variant type: single nucleotide variant.
Coding change: c.49T>C on transcript NM_002480.3 (MANE Select); coding-DNA position 49, T replaced by C.
Protein change: p.Trp17Arg; replaces tryptophan 17 with arginine.
Molecular consequence: missense variant.
Genome position (GRCh38, 1-based): chr12:79,934,883, A>G on the plus strand (T>C on the coding strand, the complement: PPP1R12A is on the minus strand). VCF-style: chr12-79934883-A-G. GRCh37 (hg19) VCF-style: chr12-80328663-A-G.
Other names: c.49T>C, p.Trp17Arg (NM_001143885.2, NM_001244990.2, NM_001244992.1); short protein forms W17R.
Identifiers: ClinVar variation 4076372 (VCV004076372.1).

ClinVar aggregate classification (germline): Uncertain significance (1 of 4 stars; one submission).

Conditions:
Genitourinary and/or brain malformation syndrome (GUBS). Also called: PPP1R12A-Related Urogenital and/or Brain Malformation Syndrome. Identifiers: MedGen C5394158, MONDO:0032934, OMIM 618820.

Submission:

Laboratorio de Genetica e Diagnostico Molecular, Hospital Israelita Albert Einstein
Classification: Uncertain significance for Genitourinary and/or brain malformation syndrome. Last evaluated: 2025-04-08. Review status: criteria provided, single submitter. Criteria: ACMG Guidelines, 2015. Collection method: clinical testing. Allele origin: germline. Affected: yes.
Comment: ACMG classification criteria: PM2 supporting